The following is an entry in ClinVar:

NM_005585.5(SMAD6):c.1415G>T (p.Trp472Leu)

Gene: SMAD6 (SMAD family member 6; plus strand). Cytogenetic location: 15q22.31.
Variant type: single nucleotide variant.
Coding change: c.1415G>T on transcript NM_005585.5 (MANE Select); coding-DNA position 1415, G replaced by T.
Protein change: p.Trp472Leu; replaces tryptophan 472 with leucine.
Molecular consequence: missense variant. On other transcripts: non-coding transcript variant (1).
Genome position (GRCh38, 1-based): chr15:66,781,459, G>T. VCF-style: chr15-66781459-G-T. GRCh37 (hg19) VCF-style: chr15-67073797-G-T.
Other names: short protein forms W472L.
Identifiers: ClinVar variation 4843891 (VCV004843891.1).

ClinVar aggregate classification (germline): Uncertain significance (1 of 4 stars; one submission).

Conditions:
Inborn genetic diseases. Identifiers: MedGen C0950123, MeSH D030342.

gnomAD v4.1: 2 of 1,603,802 alleles (0.00012%); highest among the groups gnomAD compares: Admixed American, 0.0017%; no homozygotes.

Submission:

Ambry Genetics
Classification: Uncertain significance for Inborn genetic diseases. Last evaluated: 2025-12-26. Review status: criteria provided, single submitter. Criteria: Ambry Variant Classification Scheme 2023. Collection method: clinical testing. Allele origin: germline.
Comment: The p.W472L variant (also known as c.1415G>T), located in coding exon 4 of the SMAD6 gene, results from a G to T substitution at nucleotide position 1415. The tryptophan at codon 472 is replaced by leucine, an amino acid with similar properties. This amino acid position is conserved. In addition, this alteration is predicted to be deleterious by in silico analysis. Based on the available evidence, the clinical significance of this variant remains unclear.